The following is an entry in ClinVar:

ClinVar aggregate classification (germline): Conflicting classifications of pathogenicity. Review status: criteria provided, conflicting classifications (1 of 4 stars). 3 submissions from 3 submitters: Uncertain significance (2); Likely benign (1). Last evaluated 2023-03-23.

Conditions:
Hereditary cancer-predisposing syndrome. Also called: Neoplastic Syndromes, Hereditary; Tumor predisposition; Hereditary Cancer Syndrome; Hereditary neoplastic syndrome. Identifiers: Orphanet 140162, MedGen C0027672, MeSH D009386, MONDO:0015356.

gnomAD v4.1: 1 of 1,614,012 alleles (0.000062%); highest among the groups gnomAD compares: South Asian, 0.0011%; no homozygotes.

Submissions (3):

University of Washington Department of Laboratory Medicine, University of Washington
Classification: Likely benign for Hereditary cancer-predisposing syndrome. Last evaluated: 2023-03-23. Review status: criteria provided, single submitter. Criteria: Dines et al. (Genet Med. 2020). Collection method: curation. Allele origin: germline.
Comment: Missense variant in a coldspot region where missense variants are very unlikely to be pathogenic (PMID:31911673).

BRCA2 exon 11 coldspot. Reclassification based on statistical prior probability.

Women's Health and Genetics/Laboratory Corporation of America, LabCorp
Classification: Uncertain significance. Last evaluated: 2022-12-15. Review status: criteria provided, single submitter. Criteria: LabCorp Variant Classification Summary - May 2015. Collection method: clinical testing. Allele origin: germline.

Ambry Genetics
Classification: Uncertain significance for Hereditary cancer-predisposing syndrome. Last evaluated: 2013-10-03. Review status: criteria provided, single submitter. Criteria: Ambry Autosomal Dominant and X-Linked criteria (10/2015). Collection method: clinical testing. Allele origin: germline. Observed: 1 variant allele.
Comment: Ã¢â‚¬â€¹The p.D1575N variant (also known as c.4723G>A or 4951G>A) is located in coding exon 10 of the BRCA2 gene. This alteration results from a G to A substitution at nucleotide position 4723. The aspartate at codon 1575 is replaced by asparagine, an amino acid with highly similar properties. This variant was not reported in population-based cohorts in the following databases: Database of Single Nucleotide Polymorphisms (dbSNP), NHLBI Exome Sequencing Project (ESP) and 1000 Genomes Project. Based on protein sequence alignment, this amino acid position is poorly conserved in available vertebrate species. In addition, this alteration is predicted to be tolerated by in silico analysis. Since supporting evidence is limited at this time, the clinical significance of p.D1575N remains unclear.

NM_000059.4(BRCA2):c.4723G>A (p.Asp1575Asn)

Gene: BRCA2 (BRCA2 DNA repair associated; plus strand). Cytogenetic location: 13q13.1.
Variant type: single nucleotide variant.
Coding change: c.4723G>A on transcript NM_000059.4 (MANE Select); coding-DNA position 4723, G replaced by A.
Protein change: p.Asp1575Asn; replaces aspartic acid 1575 with asparagine.
Molecular consequence: missense variant.
Genome position (GRCh38, 1-based): chr13:32,339,078, G>A. VCF-style: chr13-32339078-G-A. GRCh37 (hg19) VCF-style: chr13-32913215-G-A.
Other names: short protein forms D1575N.
Identifiers: ClinVar variation 141790 (VCV000141790.6), dbSNP rs587782013, ClinGen allele CA020710.